The following is an entry in ClinVar:

ClinVar aggregate classification (germline): Benign/Likely benign. Review status: criteria provided, multiple submitters, no conflicts (2 of 4 stars). 8 submissions from 8 submitters: Benign (1); Likely benign (7). Last evaluated 2026-01-26.

Conditions:
Classic or attenuated familial adenomatous polyposis. Identifiers: MedGen CN372698, MONDO:0021057.
Hereditary cancer-predisposing syndrome. Also called: Hereditary neoplastic syndrome; Neoplastic Syndromes, Hereditary; Tumor predisposition; Hereditary Cancer Syndrome. Identifiers: Orphanet 140162, MedGen C0027672, MeSH D009386, MONDO:0015356.
Familial adenomatous polyposis 1 (FAP1). Also called: FAMILIAL ADENOMATOUS POLYPOSIS 1, ATTENUATED; POLYPOSIS, ADENOMATOUS INTESTINAL. Identifiers: MedGen C2713442, MONDO:0021056, OMIM 175100. Disease mechanism: loss of function.

Allele frequency attached by ClinVar (database versions not stated): ExAC 0.00001; gnomAD 0.00001; gnomAD exomes 0.00001; TOPMed 0.00001.
gnomAD v4.1: 21 of 1,613,162 alleles (0.0013%); highest among the groups gnomAD compares: Admixed American, 0.005%; no homozygotes.

Submissions (8):

Labcorp Genetics (formerly Invitae), Labcorp
Classification: Likely benign for Familial adenomatous polyposis 1. Last evaluated: 2026-01-26. Review status: criteria provided, single submitter. Criteria: Invitae Variant Classification Sherloc (09022015). Collection method: clinical testing. Allele origin: germline.

Quest Diagnostics Nichols Institute San Juan Capistrano
Classification: Likely benign. Last evaluated: 2025-04-03. Review status: criteria provided, single submitter. Criteria: Quest Diagnostics criteria. Collection method: clinical testing. Allele origin: unknown.

Myriad Genetics, Inc.
Classification: Benign for Familial adenomatous polyposis 1. Last evaluated: 2024-04-08. Review status: criteria provided, single submitter. Criteria: Myriad Autosomal Dominant, Autosomal Recessive and X-Linked Classification Criteria (2023). Collection method: clinical testing. Allele origin: unknown.
Comment: This variant is considered benign. This variant is a silent/synonymous amino acid change and it is not expected to impact splicing.

All of Us Research Program, National Institutes of Health
Classification: Likely benign for Classic or attenuated familial adenomatous polyposis. Last evaluated: 2023-11-28. Review status: criteria provided, single submitter. Criteria: ACMG Guidelines, 2015. Collection method: clinical testing. Allele origin: germline. Inheritance: Autosomal dominant inheritance. Observed: 8 variant alleles, 8 heterozygotes.
Comment: This study involves interpretation of variants in research participants for the purpose of population health screening. Participant phenotype was not available at the time of variant classification. Additional details can be found in publication PMID: 35346344, PMCID: PMC8962531

Sema4
Classification: Likely benign for Hereditary cancer-predisposing syndrome. Last evaluated: 2022-01-20. Review status: criteria provided, single submitter. Criteria: Sema4 Curation Guidelines. Collection method: curation. Allele origin: germline.

Color Diagnostics, LLC DBA Color Health
Classification: Likely benign for Hereditary cancer-predisposing syndrome. Last evaluated: 2018-07-31. Review status: criteria provided, single submitter. Criteria: ACMG Guidelines, 2015. Collection method: clinical testing. Allele origin: germline.

GeneDx
Classification: Likely benign. Last evaluated: 2017-01-30. Review status: criteria provided, single submitter. Criteria: GeneDx Variant Classification (06012015). Collection method: clinical testing. Allele origin: germline. Affected: yes.
Comment: This variant is considered likely benign or benign based on one or more of the following criteria: it is a conservative change, it occurs at a poorly conserved position in the protein, it is predicted to be benign by multiple in silico algorithms, and/or has population frequency not consistent with disease.

Ambry Genetics
Classification: Likely benign for Hereditary cancer-predisposing syndrome. Last evaluated: 2014-07-24. Review status: criteria provided, single submitter. Criteria: Ambry Variant Classification Scheme 2023. Collection method: clinical testing. Allele origin: germline.

Literature cited by the submitters: PubMed 25604157 (cited by Quest Diagnostics Nichols Institute San Juan Capistrano).

NM_000038.6(APC):c.7098T>C (p.Tyr2366=)

Gene: APC (APC regulator of Wnt signaling pathway; plus strand). Cytogenetic location: 5q22.2.
Variant type: single nucleotide variant.
Coding change: c.7098T>C on transcript NM_000038.6 (MANE Select); coding-DNA position 7098, T replaced by C.
Protein change: p.Tyr2366=; no amino-acid change (tyrosine 2366 retained).
Molecular consequence: synonymous variant.
Genome position (GRCh38, 1-based): chr5:112,842,692, T>C. VCF-style: chr5-112842692-T-C. GRCh37 (hg19) VCF-style: chr5-112178389-T-C.
Other names: c.7098T>C, p.Tyr2366= (NM_001127510.3, NM_001354895.2); c.7044T>C, p.Tyr2348= (NM_001127511.3); c.7152T>C, p.Tyr2384= (NM_001354896.2); c.7128T>C, p.Tyr2376= (NM_001354897.2); c.7023T>C, p.Tyr2341= (NM_001354898.2); c.7014T>C, p.Tyr2338= (NM_001354899.2); c.6975T>C, p.Tyr2325= (NM_001354900.2); c.6921T>C, p.Tyr2307= (NM_001354901.2); and 5 more.
Identifiers: ClinVar variation 185631 (VCV000185631.22), dbSNP rs561394771, ClinGen allele CA012835.